The following is an entry in ClinVar:

ClinVar aggregate classification (germline): Uncertain significance (1 of 4 stars; one submission).

gnomAD v4.1: 1 of 1,614,114 alleles (0.000062%); highest among the groups gnomAD compares: Non-Finnish European, 0.000085%; no homozygotes.

Submission:

Ambry Genetics
Classification: Uncertain significance. Last evaluated: 2025-01-23. Review status: criteria provided, single submitter. Criteria: Ambry Variant Classification Scheme 2023. Collection method: clinical testing. Allele origin: germline.
Comment: The p.D890V variant (also known as c.2669A>T), located in coding exon 24 of the KIF1B gene, results from an A to T substitution at nucleotide position 2669. The aspartic acid at codon 890 is replaced by valine, an amino acid with highly dissimilar properties. This amino acid position is conserved. In addition, the in silico prediction for this alteration is inconclusive. Based on the available evidence, the clinical significance of this variant remains unclear.

NM_001365951.3(KIF1B):c.2807A>T (p.Asp936Val)

Genes: KIF1B (kinesin family member 1B; plus strand), LOC126805614 (BRD4-independent group 4 enhancer GRCh37_chr1:10385546-10386745; plus strand). Cytogenetic location: 1p36.22.
Variant type: single nucleotide variant.
Coding change: c.2807A>T on transcript NM_001365951.3 (MANE Select); coding-DNA position 2807, A replaced by T.
Protein change: p.Asp936Val; replaces aspartic acid 936 with valine.
Molecular consequence: missense variant.
Genome position (GRCh38, 1-based): chr1:10,326,242, A>T. VCF-style: chr1-10326242-A-T. GRCh37 (hg19) VCF-style: chr1-10386300-A-T.
Other names: c.2807A>T, p.Asp936Val (NM_001365952.1); c.2669A>T, p.Asp890Val (NM_015074.3); short protein forms D936V, D890V.
Identifiers: ClinVar variation 3864082 (VCV003864082.1).